The following is an entry in ClinVar:

ClinVar aggregate classification (germline): Conflicting classifications of pathogenicity. Review status: criteria provided, conflicting classifications (1 of 4 stars). 2 submissions from 2 submitters: Uncertain significance (1); Likely benign (1). Last evaluated 2025-12-14.

Conditions:
Long QT syndrome (LQTS). Identifiers: MedGen C0023976, MeSH D008133, MONDO:0002442. Disease mechanism: loss of function. Inheritance: Various modes of inheritance.
Cardiovascular phenotype. Identifiers: MedGen CN230736.

Allele frequency attached by ClinVar (database versions not stated): ExAC 0.00002; gnomAD exomes 0.00002 and 0.00006; gnomAD 0.00005 and 0.00006; 1000 Genomes Project 30x 0.00016; 1000 Genomes Project 0.00020.
gnomAD v4.1: 44 of 1,614,202 alleles (0.0027%); highest among the groups gnomAD compares: Admixed American, 0.037%; no homozygotes.

Submissions (2):

Labcorp Genetics (formerly Invitae), Labcorp
Classification: Uncertain significance for Long QT syndrome. Last evaluated: 2025-12-14. Review status: criteria provided, single submitter. Criteria: Invitae Variant Classification Sherloc (09022015). Collection method: clinical testing. Allele origin: germline.
Comment: This sequence change replaces lysine, which is basic and polar, with arginine, which is basic and polar, at codon 3938 of the ANK2 protein (p.Lys3938Arg). This variant is present in population databases (rs568549084, gnomAD 0.04%), and has an allele count higher than expected for a pathogenic variant. This variant has not been reported in the literature in individuals affected with ANK2-related conditions. ClinVar contains an entry for this variant (Variation ID: 1432170). Invitae Evidence Modeling of protein sequence and biophysical properties (such as structural, functional, and spatial information, amino acid conservation, physicochemical variation, residue mobility, and thermodynamic stability) indicates that this missense variant is not expected to disrupt ANK2 protein function with a negative predictive value of 80%. In summary, the available evidence is currently insufficient to determine the role of this variant in disease. Therefore, it has been classified as a Variant of Uncertain Significance.

Ambry Genetics
Classification: Likely benign for Cardiovascular phenotype. Last evaluated: 2024-10-08. Review status: criteria provided, single submitter. Criteria: Ambry Variant Classification Scheme 2023. Collection method: clinical testing. Allele origin: germline.

NM_001148.6(ANK2):c.11813A>G (p.Lys3938Arg)

Gene: ANK2 (ankyrin 2; plus strand). Cytogenetic location: 4q26.
Variant type: single nucleotide variant.
Coding change: c.11813A>G on transcript NM_001148.6 (MANE Select); coding-DNA position 11813, A replaced by G.
Protein change: p.Lys3938Arg; replaces lysine 3938 with arginine.
Molecular consequence: missense variant. On other transcripts: intron variant (9).
Genome position (GRCh38, 1-based): chr4:113,373,403, A>G. VCF-style: chr4-113373403-A-G. GRCh37 (hg19) VCF-style: chr4-114294559-A-G.
Other names: c.5531A>G, p.Lys1844Arg (NM_001127493.3); c.5570A>G, p.Lys1857Arg (NM_001354225.2); c.5552A>G, p.Lys1851Arg (NM_001354228.2); c.5537A>G, p.Lys1846Arg (NM_001354230.2); c.5693A>G, p.Lys1898Arg (NM_001354231.2); c.5687A>G, p.Lys1896Arg (NM_001354232.2); c.5648A>G, p.Lys1883Arg (NM_001354235.2); c.5456A>G, p.Lys1819Arg (NM_001354236.2); and 50 more; short protein forms K1775R, K1782R, K1787R, K1798R, K1843R, K1852R, K1857R, K1862R.
Identifiers: ClinVar variation 1432170 (VCV001432170.11), dbSNP rs568549084, ClinGen allele CA3052380.
Genomic context (GRCh38, chr4:113,373,403, plus strand): 5'-TTATGGTGCAGGGAATGCCACAGGAACCTGTCAACATCGAGGAAGGGGATGGCTATTCCA[A>G]AGTTATAAAGCGTGTTGTATTGAAGAGTGACACCGAGCAGTCAGAGGTGAGACAACCTGA-3'
Protein context (NP_001139.3, residues 3928-3948): VNIEEGDGYS[Lys3938Arg]VIKRVVLKSD